The following is an entry in ClinVar:

NC_000023.10:g.(?_31893285)_(32430050_?)del

Gene: DMD (dystrophin; minus strand). Cytogenetic location: Xp21.1.
Variant type: Deletion.
Identifiers: ClinVar variation 3248097 (VCV003248097.1).

ClinVar aggregate classification (germline): Pathogenic (1 of 4 stars; one submission).

Conditions:
Duchenne muscular dystrophy (DMD). Also called: MUSCULAR DYSTROPHY, PSEUDOHYPERTROPHIC PROGRESSIVE, DUCHENNE TYPE; Duchenne Muscular Dystrophy (DMD). Identifiers: Orphanet 98896, MedGen C0013264, MONDO:0010679, OMIM 310200.

Submission:

Labcorp Genetics (formerly Invitae), Labcorp
Classification: Pathogenic for Duchenne muscular dystrophy. Last evaluated: 2021-12-23. Review status: criteria provided, single submitter. Criteria: Invitae Variant Classification Sherloc (09022015). Collection method: clinical testing. Allele origin: unknown.
Comment: For these reasons, this variant has been classified as Pathogenic. The region of the DMD gene that includes exon(s) 47 has been determined to be clinically significant (PMID: 26081009, 28116794). Therefore, deletions that encompass that region are likely to be disease-causing. This variant has not been reported in the literature in individuals affected with DMD-related conditions. This variant is a gross deletion of the genomic region encompassing exon(s) 30-48 of the DMD gene. This variant would be expected to be in-frame, preserving the integrity of the reading frame.

Literature cited by the submitters: PubMed 26081009; PubMed 28116794.